The following is an entry in ClinVar:

ClinVar aggregate classification (germline): Uncertain significance (1 of 4 stars; one submission).

gnomAD v4.1: 5 of 1,612,318 alleles (0.00031%); highest among the groups gnomAD compares: Non-Finnish European, 0.00042%; no homozygotes.

Submission:

Labcorp Genetics (formerly Invitae), Labcorp
Classification: Uncertain significance. Last evaluated: 2025-10-08. Review status: criteria provided, single submitter. Criteria: Invitae Variant Classification Sherloc (09022015). Collection method: clinical testing. Allele origin: germline.
Comment: This sequence change falls in intron 13 of the C6 gene. It does not directly change the encoded amino acid sequence of the C6 protein. It affects a nucleotide within the consensus splice site. This variant is not present in population databases (gnomAD no frequency). This variant has not been reported in the literature in individuals affected with C6-related conditions. ClinVar contains an entry for this variant (Variation ID: 2960227). Variants that disrupt the consensus splice site are a relatively common cause of aberrant splicing (PMID: 17576681, 9536098). Algorithms developed to predict the effect of sequence changes on RNA splicing suggest that this variant is not likely to affect RNA splicing. In summary, the available evidence is currently insufficient to determine the role of this variant in disease. Therefore, it has been classified as a Variant of Uncertain Significance.

Literature cited by the submitters: PubMed 17576681; PubMed 9536098.

NM_000065.5(C6):c.1969-3A>C

Gene: C6 (complement C6; minus strand). Cytogenetic location: 5p13.1.
Variant type: single nucleotide variant.
Coding change: c.1969-3A>C on transcript NM_000065.5 (MANE Select); 3 bases into the intron before coding-DNA position 1969, A replaced by C.
Molecular consequence: intron variant.
Genome position (GRCh38, 1-based): chr5:41,155,107, T>G on the plus strand (A>C on the coding strand, the complement: C6 is on the minus strand). VCF-style: chr5-41155107-T-G. GRCh37 (hg19) VCF-style: chr5-41155209-T-G.
Other names: c.1969-3A>C (NM_001115131.4).
Identifiers: ClinVar variation 2960227 (VCV002960227.3), dbSNP rs1467462987, ClinGen allele CA2673702804.